The following is an entry in ClinVar:

ClinVar aggregate classification (germline): Uncertain significance (1 of 4 stars; one submission).

Conditions:
Dyskeratosis congenita, autosomal dominant 2. Identifiers: MedGen C3151443, MONDO:0013521, OMIM 613989.
Idiopathic Pulmonary Fibrosis. Also called: Idiopathic fibrosing alveolitis, chronic form; idiopathic fibrosing alveolitis. Identifiers: Orphanet 2032, MedGen C1800706, MeSH D054990, MONDO:0800504.

Allele frequency attached by ClinVar (database versions not stated): gnomAD exomes below 0.00001.
gnomAD v4.1: 1 of 1,585,488 alleles (0.000063%); highest among the groups gnomAD compares: Non-Finnish European, 0.000086%; no homozygotes.

Submission:

Labcorp Genetics (formerly Invitae), Labcorp
Classification: Uncertain significance for Dyskeratosis congenita, autosomal dominant 2; Idiopathic Pulmonary Fibrosis. Last evaluated: 2022-02-03. Review status: criteria provided, single submitter. Criteria: Invitae Variant Classification Sherloc (09022015). Collection method: clinical testing. Allele origin: germline.
Comment: In summary, the available evidence is currently insufficient to determine the role of this variant in disease. Therefore, it has been classified as a Variant of Uncertain Significance. Algorithms developed to predict the effect of sequence changes on RNA splicing suggest that this variant may create or strengthen a splice site. Advanced modeling of protein sequence and biophysical properties (such as structural, functional, and spatial information, amino acid conservation, physicochemical variation, residue mobility, and thermodynamic stability) performed at Invitae indicates that this missense variant is expected to disrupt TERT protein function. ClinVar contains an entry for this variant (Variation ID: 970346). This variant has not been reported in the literature in individuals affected with TERT-related conditions. This variant is not present in population databases (gnomAD no frequency). This sequence change replaces leucine, which is neutral and non-polar, with glutamine, which is neutral and polar, at codon 695 of the TERT protein (p.Leu695Gln).

NM_198253.3(TERT):c.2084T>A (p.Leu695Gln)

Gene: TERT (telomerase reverse transcriptase; minus strand). Cytogenetic location: 5p15.33.
Variant type: single nucleotide variant.
Coding change: c.2084T>A on transcript NM_198253.3 (MANE Select); coding-DNA position 2084, T replaced by A.
Protein change: p.Leu695Gln; replaces leucine 695 with glutamine.
Molecular consequence: missense variant. On other transcripts: non-coding transcript variant (2).
Genome position (GRCh38, 1-based): chr5:1,279,337, A>T on the plus strand (T>A on the coding strand, the complement: TERT is on the minus strand). VCF-style: chr5-1279337-A-T. GRCh37 (hg19) VCF-style: chr5-1279452-A-T.
Other names: c.2084T>A, p.Leu695Gln (NM_001193376.3); short protein forms L695Q.
Identifiers: ClinVar variation 970346 (VCV000970346.10), dbSNP rs1749846376, ClinGen allele CA359080164.